The following is an entry in ClinVar:

Conditions:
Breast-ovarian cancer, familial, susceptibility to, 1 (BROVCA1). Also called: BRCA1 Hereditary Breast and Ovarian Cancer; OVARIAN CANCER, SUSCEPTIBILITY TO. Identifiers: Orphanet 145, MedGen C2676676, MONDO:0011450, OMIM 604370. Disease mechanism: loss of function.

Submission:

Brotman Baty Institute, University of Washington
No classification provided (evidence only). Condition: Breast-ovarian cancer, familial 1. Review status: no classification provided. Collection method: in vitro. Allele origin: not applicable. Functional consequence: functionally_normal.
ClinVar note: "not provided" was previously submitted as the classification for the variant. However, the classification appeared to be based only on an observation of functional data so it was converted to no classification on 2025-07-30.

NM_007294.4(BRCA1):c.5153-29G>C

Gene: BRCA1 (BRCA1 DNA repair associated; minus strand). Cytogenetic location: 17q21.31.
Variant type: single nucleotide variant.
Coding change: c.5153-29G>C on transcript NM_007294.4 (MANE Select); 29 bases into the intron before coding-DNA position 5153, G replaced by C.
Molecular consequence: intron variant.
Genome position (GRCh38, 1-based): chr17:43,063,402, C>G on the plus strand (G>C on the coding strand, the complement: BRCA1 is on the minus strand). VCF-style: chr17-43063402-C-G. GRCh37 (hg19) VCF-style: chr17-41215419-C-G.
Other names: c.1700-29G>C (NM_001408458.1, NM_001408461.1, NM_001408464.1 and 7 more transcripts); c.4262-29G>C (NM_001407967.1); c.4772-29G>C (NM_001407959.1); c.4886-29G>C (NM_001407931.1, NM_001407932.1, NM_001407928.1 and 4 more transcripts); c.5009-29G>C (NM_001407747.1, NM_001407745.1, NM_001407737.1 and 21 more transcripts); c.4769-29G>C (NM_001407962.1, NM_001407960.1); c.1340-29G>C (NM_001408512.1); c.1463-29G>C (NM_001408510.1); and 72 more.
Identifiers: ClinVar variation 867407 (VCV000867407.3), dbSNP rs2051879159, ClinGen allele CA916080111.